The following is an entry in ClinVar:

NM_001036.6(RYR3):c.5947T>G (p.Phe1983Val)

Gene: RYR3 (ryanodine receptor 3; plus strand). Cytogenetic location: 15q14.
Variant type: single nucleotide variant.
Coding change: c.5947T>G on transcript NM_001036.6 (MANE Select); coding-DNA position 5947, T replaced by G.
Protein change: p.Phe1983Val; replaces phenylalanine 1983 with valine.
Molecular consequence: missense variant.
Genome position (GRCh38, 1-based): chr15:33,696,304, T>G. VCF-style: chr15-33696304-T-G. GRCh37 (hg19) VCF-style: chr15-33988505-T-G.
Other names: c.5947T>G, p.Phe1983Val (NM_001243996.4); short protein forms F1983V.
Identifiers: ClinVar variation 953938 (VCV000953938.9), dbSNP rs2065862490, ClinGen allele CA391581456.

ClinVar aggregate classification (germline): Uncertain significance (1 of 4 stars; one submission).

Conditions:
Epileptic encephalopathy. Identifiers: MedGen C0543888, HP:0200134.

Submission:

Labcorp Genetics (formerly Invitae), Labcorp
Classification: Uncertain significance for Epileptic encephalopathy. Last evaluated: 2022-03-19. Review status: criteria provided, single submitter. Criteria: Invitae Variant Classification Sherloc (09022015). Collection method: clinical testing. Allele origin: germline.
Comment: In summary, the available evidence is currently insufficient to determine the role of this variant in disease. Therefore, it has been classified as a Variant of Uncertain Significance. Algorithms developed to predict the effect of missense changes on protein structure and function are either unavailable or do not agree on the potential impact of this missense change (SIFT: "Deleterious"; PolyPhen-2: "Possibly Damaging"; Align-GVGD: "Class C15"). ClinVar contains an entry for this variant (Variation ID: 953938). This variant has not been reported in the literature in individuals affected with RYR3-related conditions. This variant is not present in population databases (gnomAD no frequency). This sequence change replaces phenylalanine, which is neutral and non-polar, with valine, which is neutral and non-polar, at codon 1983 of the RYR3 protein (p.Phe1983Val).